The following is an entry in ClinVar:

ClinVar aggregate classification (germline): Conflicting classifications of pathogenicity. Review status: criteria provided, conflicting classifications (1 of 4 stars). 2 submissions from 2 submitters: Likely pathogenic (1); Uncertain significance (1). Last evaluated 2026-09-28.

Conditions:
PAX3-related disorder. Also called: PAX3-related condition.

Submissions (2):

GeneDx
Classification: Likely pathogenic. Last evaluated: 2026-09-28. Review status: criteria provided, single submitter. Criteria: GeneDx Variant Classification Process June 2021. Collection method: clinical testing. Allele origin: germline.
Comment: In silico analysis supports that this missense variant has a deleterious effect on protein structure/function; Not observed in large population cohorts (gnomAD); Has not been previously published as pathogenic or benign to our knowledge

PreventionGenetics, part of Exact Sciences
Classification: Uncertain significance for PAX3-related condition. Last evaluated: 2023-07-28. Review status: criteria provided, single submitter. Criteria: ACMG Guidelines, 2015. Collection method: clinical testing. Allele origin: germline.
Comment: The PAX3 c.185T>A variant is predicted to result in the amino acid substitution p.Met62Lys. To our knowledge, this variant has not been reported in the literature or in a large population database, indicating this variant is rare. Three alternative substitutions at the same amino acid position (Ile, Val, Thr) have been reported to be causative for Waardenburg syndrome (Wildhardt. 2013. PubMed ID: 23512835; Pierpont. 1994. PubMed ID: 7833953; Li. 2019. PubMed ID: 30936914). Although we suspect that this variant may be pathogenic, at this time, the clinical significance of this variant is uncertain due to the absence of conclusive functional and genetic evidence.

NM_181458.4(PAX3):c.185T>A (p.Met62Lys)

Gene: PAX3 (paired box 3; minus strand). Cytogenetic location: 2q36.1.
Variant type: single nucleotide variant.
Coding change: c.185T>A on transcript NM_181458.4 (MANE Select); coding-DNA position 185, T replaced by A.
Protein change: p.Met62Lys; replaces methionine 62 with lysine.
Molecular consequence: missense variant.
Genome position (GRCh38, 1-based): chr2:222,297,114, A>T on the plus strand (T>A on the coding strand, the complement: PAX3 is on the minus strand). VCF-style: chr2-222297114-A-T. GRCh37 (hg19) VCF-style: chr2-223161833-A-T.
Other names: c.185T>A, p.Met62Lys (NM_000438.6, NM_001127366.3, NM_013942.5 and 4 more transcripts); short protein forms M62K.
Identifiers: ClinVar variation 1696895 (VCV001696895.4), dbSNP rs2106203964, ClinGen allele CA351113639.